The following is an entry in ClinVar:

ClinVar aggregate classification (germline): Likely benign (1 of 4 stars; one submission).

Allele frequency attached by ClinVar (database versions not stated): 1000 Genomes Project 30x 0.00078; 1000 Genomes Project 0.00100; ESP Exome Variant Server 0.00121; gnomAD 0.00144; TOPMed 0.00151; gnomAD exomes 0.00162; ExAC 0.00196.

Submission:

CeGaT Center for Human Genetics Tuebingen
Classification: Likely benign. Last evaluated: 2026-04-01. Review status: criteria provided, single submitter. Criteria: CeGaT Center For Human Genetics Tuebingen Variant Classification Criteria Version 2. Collection method: clinical testing. Allele origin: germline. Affected: yes. Observed: 5 variant alleles.
Comment: MUC5B: BP4, BS2

NM_002458.3(MUC5B):c.12089C>T (p.Ser4030Leu)

Genes: MUC5B (mucin 5B, oligomeric mucus/gel-forming; plus strand), MUC5B-AS1 (MUC5B antisense RNA 1; minus strand). Cytogenetic location: 11p15.5.
Variant type: single nucleotide variant.
Coding change: c.12089C>T on transcript NM_002458.3 (MANE Select); coding-DNA position 12089, C replaced by T.
Protein change: p.Ser4030Leu; replaces serine 4030 with leucine.
Molecular consequence: missense variant.
Genome position (GRCh38, 1-based): chr11:1,248,969, C>T. VCF-style: chr11-1248969-C-T. GRCh37 (hg19) VCF-style: chr11-1270199-C-T.
Other names: short protein forms S4030L.
Identifiers: ClinVar variation 2641284 (VCV002641284.24), dbSNP rs371793071, ClinGen allele CA5807864.
Genomic context (GRCh38, chr11:1,248,969, plus strand): 5'-CCACACACGGGCGATCCCTGTCCCCCAGCAGTCCCCACACGGTGCGCACAGCCTGGACTT[C>T]GGCCACCTCAGGCACCTTGGGCACCACCCACATCACAGAGCCTTCCACGGGGACTTCCCA-3'
Protein context (NP_002449.2, residues 4020-4040): SPHTVRTAWT[Ser4030Leu]ATSGTLGTTH